The following is an entry in ClinVar:

ClinVar aggregate classification (germline): Uncertain significance (1 of 4 stars; one submission).

Conditions:
Neurofibromatosis, type 1 (NF1). Also called: NEUROFIBROMATOSIS, TYPE I, SOMATIC; Neurofibromatosis, type I; VON RECKLINGHAUSEN DISEASE; Peripheral type neurofibromatosis. Identifiers: Orphanet 636, MedGen C0027831, MONDO:0018975, OMIM 162200. Disease mechanism: loss of function.

gnomAD v4.1: 1 of 1,613,672 alleles (0.000062%); no homozygotes.

Submission:

Labcorp Genetics (formerly Invitae), Labcorp
Classification: Uncertain significance for Neurofibromatosis, type 1. Last evaluated: 2021-10-07. Review status: criteria provided, single submitter. Criteria: Invitae Variant Classification Sherloc (09022015). Collection method: clinical testing. Allele origin: germline.
Comment: This variant has not been reported in the literature in individuals affected with NF1-related conditions. In summary, the available evidence is currently insufficient to determine the role of this variant in disease. Therefore, it has been classified as a Variant of Uncertain Significance. Advanced modeling of protein sequence and biophysical properties (such as structural, functional, and spatial information, amino acid conservation, physicochemical variation, residue mobility, and thermodynamic stability) performed at Invitae indicates that this missense variant is expected to disrupt NF1 protein function. This variant is not present in population databases (ExAC no frequency). This sequence change replaces serine with phenylalanine at codon 1889 of the NF1 protein (p.Ser1889Phe). The serine residue is moderately conserved and there is a large physicochemical difference between serine and phenylalanine.

NM_001042492.3(NF1):c.5729C>T (p.Ser1910Phe)

Gene: NF1 (neurofibromin 1; plus strand). Cytogenetic location: 17q11.2.
Variant type: single nucleotide variant.
Coding change: c.5729C>T on transcript NM_001042492.3 (MANE Select); coding-DNA position 5729, C replaced by T.
Protein change: p.Ser1910Phe; replaces serine 1910 with phenylalanine.
Molecular consequence: missense variant.
Genome position (GRCh38, 1-based): chr17:31,330,415, C>T. VCF-style: chr17-31330415-C-T. GRCh37 (hg19) VCF-style: chr17-29657433-C-T.
Other names: c.5666C>T, p.Ser1889Phe (NM_000267.4); short protein forms S1889F, S1910F.
Identifiers: ClinVar variation 1494463 (VCV001494463.6), dbSNP rs751904277, ClinGen allele CA399010349.